The following is an entry in ClinVar:

ClinVar aggregate classification (germline): Uncertain significance (1 of 4 stars; one submission).

Allele frequency attached by ClinVar (database versions not stated): gnomAD exomes below 0.00001; TOPMed 0.00001.
gnomAD v4.1: 3 of 1,203,806 alleles (0.00025%); highest among the groups gnomAD compares: Non-Finnish European, 0.00034%; no homozygotes.

Submission:

CeGaT Center for Human Genetics Tuebingen
Classification: Uncertain significance. Last evaluated: 2022-12-01. Review status: criteria provided, single submitter. Criteria: CeGaT Center For Human Genetics Tuebingen Variant Classification Criteria Version 2. Collection method: clinical testing. Allele origin: germline. Affected: yes. Observed: 1 variant allele.
Comment: MXRA5: PM2

NM_015419.4(MXRA5):c.17A>G (p.His6Arg)

Gene: MXRA5 (matrix remodeling associated 5; minus strand). Cytogenetic location: Xp22.33.
Variant type: single nucleotide variant.
Coding change: c.17A>G on transcript NM_015419.4 (MANE Select); coding-DNA position 17, A replaced by G.
Protein change: p.His6Arg; replaces histidine 6 with arginine.
Molecular consequence: missense variant.
Genome position (GRCh38, 1-based): chrX:3,343,817, T>C on the plus strand (A>G on the coding strand, the complement: MXRA5 is on the minus strand). VCF-style: chrX-3343817-T-C. GRCh37 (hg19) VCF-style: chrX-3261858-T-C.
Other names: short protein forms H6R.
Identifiers: ClinVar variation 2659891 (VCV002659891.24), dbSNP rs1320238738, ClinGen allele CA412299164.